The following is an entry in ClinVar:

NM_001378120.1(MBD5):c.2462C>T (p.Thr821Ile)

Gene: MBD5 (methyl-CpG binding domain protein 5; plus strand). Cytogenetic location: 2q23.1.
Variant type: single nucleotide variant.
Coding change: c.2462C>T on transcript NM_001378120.1 (MANE Select); coding-DNA position 2462, C replaced by T.
Protein change: p.Thr821Ile; replaces threonine 821 with isoleucine.
Molecular consequence: missense variant.
Genome position (GRCh38, 1-based): chr2:148,470,405, C>T. VCF-style: chr2-148470405-C-T. GRCh37 (hg19) VCF-style: chr2-149227974-C-T.
Other names: c.2462C>T, p.Thr821Ile (NM_018328.5); short protein forms T821I.
Identifiers: ClinVar variation 2794587 (VCV002794587.3), dbSNP rs772647846, ClinGen allele CA1900146.

ClinVar aggregate classification (germline): Uncertain significance (1 of 4 stars; one submission).

Conditions:
Intellectual developmental disorder, autosomal dominant 1. Also called: MBD5 Haploinsufficiency; Intellectual disability, autosomal dominant 1. Identifiers: Orphanet 228402, MedGen C1969562, MONDO:0007974, OMIM 156200.

Allele frequency attached by ClinVar (database versions not stated): gnomAD exomes below 0.00001; ExAC 0.00001.
gnomAD v4.1: 3 of 1,612,924 alleles (0.00019%); highest among the groups gnomAD compares: Admixed American, 0.0017%; no homozygotes.

Submission:

Labcorp Genetics (formerly Invitae), Labcorp
Classification: Uncertain significance for Intellectual developmental disorder, autosomal dominant 1. Last evaluated: 2024-10-22. Review status: criteria provided, single submitter. Criteria: Invitae Variant Classification Sherloc (09022015). Collection method: clinical testing. Allele origin: germline.
Comment: This sequence change replaces threonine, which is neutral and polar, with isoleucine, which is neutral and non-polar, at codon 821 of the MBD5 protein (p.Thr821Ile). This variant is present in population databases (rs772647846, gnomAD 0.003%). This variant has not been reported in the literature in individuals affected with MBD5-related conditions. Invitae Evidence Modeling of protein sequence and biophysical properties (such as structural, functional, and spatial information, amino acid conservation, physicochemical variation, residue mobility, and thermodynamic stability) indicates that this missense variant is not expected to disrupt MBD5 protein function with a negative predictive value of 80%. In summary, the available evidence is currently insufficient to determine the role of this variant in disease. Therefore, it has been classified as a Variant of Uncertain Significance.